The following is an entry in ClinVar:

NM_001253852.3(AP4B1):c.2123_2133del (p.Ile708fs)

Genes: AP4B1 (adaptor related protein complex 4 subunit beta 1; minus strand), AP4B1-AS1 (AP4B1 antisense RNA 1; plus strand). Cytogenetic location: 1p13.2.
Variant type: Deletion.
Coding change: c.2123_2133del on transcript NM_001253852.3 (MANE Select); coding-DNA positions 2123 to 2133, 11 bases deleted (TCTCTGTGAAA).
Protein change: p.Ile708fs; shifts the reading frame from isoleucine 708.
Molecular consequence: frameshift variant.
Genome position (GRCh38, 1-based): chr1:113,895,152-113,895,162, TTTCACAGAGA deleted on the plus strand (TCTCTGTGAAA on the coding strand, the reverse complement: AP4B1 is on the minus strand); deleting any 11 consecutive bases within chr1:113,895,152-113,895,163 gives the same sequence; the c. name uses the placement nearest the transcript's 3' end. VCF-style (leftmost placement, unchanged base first): chr1-113895151-GTTTCACAGAGA-G. GRCh37 (hg19) VCF-style: chr1-114437773-GTTTCACAGAGA-G.
Other names: c.1826_1836del, p.Ile609fs (NM_001253853.3); c.1619_1629del, p.Ile540fs (NM_001308312.2); c.2123_2133del, p.Ile708fs (NM_006594.5); short protein forms I540fs, I609fs, I708fs.
Identifiers: ClinVar variation 2417041 (VCV002417041.6), dbSNP rs2526477788, ClinGen allele CA2580060819.

ClinVar aggregate classification (germline): Uncertain significance (1 of 4 stars; one submission).

Conditions:
Hereditary spastic paraplegia 47. Also called: Spastic paraplegia 47, autosomal recessive; CEREBRAL PALSY, SPASTIC QUADRIPLEGIC, 5; adaptor protein 4 (AP-4) deficiency syndrome. Identifiers: Orphanet 280763, MedGen C3279738, MONDO:0013551, OMIM 614066.

Submission:

Labcorp Genetics (formerly Invitae), Labcorp
Classification: Uncertain significance for Hereditary spastic paraplegia 47. Last evaluated: 2024-10-15. Review status: criteria provided, single submitter. Criteria: Invitae Variant Classification Sherloc (09022015). Collection method: clinical testing. Allele origin: germline.
Comment: This sequence change creates a premature translational stop signal (p.Ile708Thrfs*3) in the AP4B1 gene. While this is not anticipated to result in nonsense mediated decay, it is expected to disrupt the last 32 amino acid(s) of the AP4B1 protein. This variant is not present in population databases (gnomAD no frequency). This variant has not been reported in the literature in individuals affected with AP4B1-related conditions. ClinVar contains an entry for this variant (Variation ID: 2417041). Experimental studies and prediction algorithms are not available or were not evaluated, and the functional significance of this variant is currently unknown. In summary, the available evidence is currently insufficient to determine the role of this variant in disease. Therefore, it has been classified as a Variant of Uncertain Significance.